The following is an entry in ClinVar:

NM_000048.4(ASL):c.1251C>A (p.Ser417Arg)

Gene: ASL (argininosuccinate lyase; plus strand). Cytogenetic location: 7q11.21.
Variant type: single nucleotide variant.
Coding change: c.1251C>A on transcript NM_000048.4 (MANE Select); coding-DNA position 1251, C replaced by A.
Protein change: p.Ser417Arg; replaces serine 417 with arginine.
Molecular consequence: missense variant.
Genome position (GRCh38, 1-based): chr7:66,092,768, C>A. VCF-style: chr7-66092768-C-A. GRCh37 (hg19) VCF-style: chr7-65557755-C-A.
Other names: c.1251C>A, p.Ser417Arg (NM_001024943.2); c.1191C>A, p.Ser397Arg (NM_001024944.2); c.1173C>A, p.Ser391Arg (NM_001024946.2); short protein forms S391R, S397R, S417R.
Identifiers: ClinVar variation 4688927 (VCV004688927.1).

ClinVar aggregate classification (germline): Uncertain significance (1 of 4 stars; one submission).

Submission:

Women's Health and Genetics/Laboratory Corporation of America, LabCorp
Classification: Uncertain significance. Last evaluated: 2025-12-22. Review status: criteria provided, single submitter. Criteria: LabCorp Variant Classification Summary - May 2015. Collection method: clinical testing. Allele origin: germline.
Comment: Variant summary: ASL c.1251C>A (p.Ser417Arg) results in a non-conservative amino acid change in the encoded protein sequence. Algorithms developed to predict the effect of missense changes on protein structure and function all suggest that this variant is likely to be disruptive. The variant was absent in 250964 control chromosomes. c.1251C>A has been observed in the homozygous state in an individual affected with Argininosuccinic Aciduria (example: Yksel_2024). These data indicate that the variant may be associated with disease. To our knowledge, no experimental evidence demonstrating an impact on protein function has been reported. The following publication has been ascertained in the context of this evaluation (PMID: 38493042). No submitters have cited clinical-significance assessments for this variant to ClinVar. Based on the evidence outlined above, the variant was classified as VUS-possibly pathogenic.

Literature cited by the submitters: PubMed 38493042.